The following is an entry in ClinVar:

ClinVar aggregate classification (germline): Uncertain significance (1 of 4 stars; one submission).

Conditions:
Autosomal dominant limb-girdle muscular dystrophy type 1F (LGMDD2). Also called: MUSCULAR DYSTROPHY, LIMB-GIRDLE, AUTOSOMAL DOMINANT 2; Limb-girdle muscular dystrophy, type 1F. Identifiers: Orphanet 55595, MedGen C1842062, MONDO:0012034, OMIM 608423.

Submission:

Labcorp Genetics (formerly Invitae), Labcorp
Classification: Uncertain significance for Autosomal dominant limb-girdle muscular dystrophy type 1F. Last evaluated: 2021-08-03. Review status: criteria provided, single submitter. Criteria: Invitae Variant Classification Sherloc (09022015). Collection method: clinical testing. Allele origin: germline.
Comment: Algorithms developed to predict the effect of missense changes on protein structure and function are either unavailable or do not agree on the potential impact of this missense change (SIFT: "Tolerated"; PolyPhen-2: "Possibly Damaging"; Align-GVGD: "Class C0"). This sequence change replaces histidine with tyrosine at codon 892 of the TNPO3 protein (p.His892Tyr). The histidine residue is moderately conserved and there is a moderate physicochemical difference between histidine and tyrosine. This variant is not present in population databases (ExAC no frequency). This variant has not been reported in the literature in individuals affected with TNPO3-related conditions. In summary, the available evidence is currently insufficient to determine the role of this variant in disease. Therefore, it has been classified as a Variant of Uncertain Significance.

NM_012470.4(TNPO3):c.2674C>T (p.His892Tyr)

Gene: TNPO3 (transportin 3; minus strand). Cytogenetic location: 7q32.1.
Variant type: single nucleotide variant.
Coding change: c.2674C>T on transcript NM_012470.4 (MANE Select); coding-DNA position 2674, C replaced by T.
Protein change: p.His892Tyr; replaces histidine 892 with tyrosine.
Molecular consequence: missense variant. On other transcripts: non-coding transcript variant (18).
Genome position (GRCh38, 1-based): chr7:128,967,317, G>A on the plus strand (C>T on the coding strand, the complement: TNPO3 is on the minus strand). VCF-style: chr7-128967317-G-A. GRCh37 (hg19) VCF-style: chr7-128607371-G-A.
Other names: c.2482C>T, p.His828Tyr (NM_001191028.3, NM_001382223.1); c.2776C>T, p.His926Tyr (NM_001382216.1); c.2755C>T, p.His919Tyr (NM_001382217.1); c.2674C>T, p.His892Tyr (NM_001382218.1); c.2566C>T, p.His856Tyr (NM_001382219.1); c.2533C>T, p.His845Tyr (NM_001382220.1); c.2530C>T, p.His844Tyr (NM_001382221.1); c.2527C>T, p.His843Tyr (NM_001382222.1); short protein forms H843Y, H856Y, H844Y, H892Y, H919Y, H828Y, H845Y, H926Y.
Identifiers: ClinVar variation 1409021 (VCV001409021.6), dbSNP rs1798015777, ClinGen allele CA369249667.
Genomic context (GRCh38, chr7:128,967,317, plus strand): 5'-TAAGAACCCCCAGTATCACTCACCTAGTGACTTGCTTGTGGAAGTCTGTAAGTTGTTTGT[G>A]TGTCACTGTGACGGCTCCCACGGTTGTTTCCTTTGGCAAACCTTTTAAGGAATTTTCTAA-3'
Protein context (NP_036602.1, residues 882-902): ETTVGAVTVT[His892Tyr]KQLTDFHKQV